The following is an entry in ClinVar:

ClinVar aggregate classification (germline): Uncertain significance (1 of 4 stars; one submission).

Allele frequency attached by ClinVar (database versions not stated): gnomAD exomes below 0.00001; TOPMed below 0.00001.
gnomAD v4.1: 1 of 1,612,642 alleles (0.000062%); highest among the groups gnomAD compares: African/African-American, 0.0013%; no homozygotes.

Submission:

Labcorp Genetics (formerly Invitae), Labcorp
Classification: Uncertain significance. Last evaluated: 2023-05-20. Review status: criteria provided, single submitter. Criteria: Invitae Variant Classification Sherloc (09022015). Collection method: clinical testing. Allele origin: germline.
Comment: In summary, the available evidence is currently insufficient to determine the role of this variant in disease. Therefore, it has been classified as a Variant of Uncertain Significance. An algorithm developed to predict the effect of missense changes on protein structure and function (PolyPhen-2) suggests that this variant is likely to be disruptive. This variant has not been reported in the literature in individuals affected with MYO3A-related conditions. This variant is not present in population databases (gnomAD no frequency). This sequence change replaces phenylalanine, which is neutral and non-polar, with leucine, which is neutral and non-polar, at codon 81 of the MYO3A protein (p.Phe81Leu).

NM_017433.5(MYO3A):c.243C>A (p.Phe81Leu)

Gene: MYO3A (myosin IIIA; plus strand). Cytogenetic location: 10p12.1.
Variant type: single nucleotide variant.
Coding change: c.243C>A on transcript NM_017433.5 (MANE Select); coding-DNA position 243, C replaced by A.
Protein change: p.Phe81Leu; replaces phenylalanine 81 with leucine.
Molecular consequence: missense variant.
Genome position (GRCh38, 1-based): chr10:25,954,948, C>A. VCF-style: chr10-25954948-C-A. GRCh37 (hg19) VCF-style: chr10-26243877-C-A.
Other names: c.243C>A, p.Phe81Leu (NM_001368265.1); short protein forms F81L.
Identifiers: ClinVar variation 2872083 (VCV002872083.3), dbSNP rs1819582065, ClinGen allele CA376331841.